The following is an entry in ClinVar:

ClinVar aggregate classification (germline): Pathogenic. Review status: criteria provided, multiple submitters, no conflicts (2 of 4 stars). 2 submissions from 2 submitters: Pathogenic (2). Last evaluated 2026-03-03.

Conditions:
Breast-ovarian cancer, familial, susceptibility to, 2 (BROVCA2). Also called: BRCA2 Hereditary Breast and Ovarian Cancer. Identifiers: Orphanet 145, MedGen C2675520, MONDO:0012933, OMIM 612555. Disease mechanism: loss of function.
Hereditary cancer-predisposing syndrome. Also called: Hereditary neoplastic syndrome; Neoplastic Syndromes, Hereditary; Tumor predisposition; Hereditary Cancer Syndrome. Identifiers: Orphanet 140162, MedGen C0027672, MeSH D009386, MONDO:0015356.

Submissions (2):

Myriad Genetics, Inc.
Classification: Pathogenic for Breast-ovarian cancer, familial, susceptibility to, 2. Last evaluated: 2026-03-03. Review status: criteria provided, single submitter. Criteria: Myriad Autosomal Dominant, Autosomal Recessive and X-Linked Classification Criteria (2023). Collection method: clinical testing. Allele origin: unknown.
Comment: This variant is considered pathogenic. This variant creates a frameshift predicted to result in premature protein truncation.

Ambry Genetics
Classification: Pathogenic for Hereditary cancer-predisposing syndrome. Last evaluated: 2021-05-03. Review status: criteria provided, single submitter. Criteria: Ambry Variant Classification Scheme 2023. Collection method: clinical testing. Allele origin: germline.
Comment: The c.8043delA pathogenic mutation, located in coding exon 17 of the BRCA2 gene, results from a deletion of one nucleotide at nucleotide position 8043, causing a translational frameshift with a predicted alternate stop codon (p.A2682Lfs*12). This alteration is expected to result in loss of function by premature protein truncation or nonsense-mediated mRNA decay. As such, this alteration is interpreted as a disease-causing mutation.

NM_000059.4(BRCA2):c.8043del (p.Ala2682fs)

Gene: BRCA2 (BRCA2 DNA repair associated; plus strand). Cytogenetic location: 13q13.1.
Variant type: Deletion.
Coding change: c.8043del on transcript NM_000059.4 (MANE Select); coding-DNA position 8043, one base deleted (A; older notation c.8043delA).
Protein change: p.Ala2682fs; shifts the reading frame from alanine 2682.
Molecular consequence: frameshift variant.
Genome position (GRCh38, 1-based): chr13:32,363,245, A deleted. VCF-style (leftmost placement, unchanged base first): chr13-32363244-CA-C. GRCh37 (hg19) VCF-style: chr13-32937381-CA-C.
Other names: c.7947delA, p.Ala2650Leufs (NM_001406719.1); c.8043delA, p.Ala2682Leufs (NM_001406720.1); c.3111delA, p.Ala1038Leufs (NM_001406721.1); c.1626delA, p.Ala543Leufs (NM_001406722.1); short protein forms A2682fs.
Identifiers: ClinVar variation 1761770 (VCV001761770.3), dbSNP rs2548546277, ClinGen allele CA2580087462.